The following is an entry in ClinVar:

ClinVar aggregate classification (germline): Uncertain significance (1 of 4 stars; one submission).

Submission:

Athena Diagnostics
Classification: Uncertain significance. Last evaluated: 2023-12-19. Review status: criteria provided, single submitter. Criteria: Athena Diagnostics Criteria. Collection method: clinical testing. Allele origin: unknown.
Comment: Available data are insufficient to determine the clinical significance of the variant at this time. This variant has not been reported in large, multi-ethnic general populations. Computational tools disagree on the variant's effect on normal protein function.

NM_014053.4(FLVCR1):c.1449G>T (p.Lys483Asn)

Gene: FLVCR1 (FLVCR choline and heme transporter 1; plus strand). Cytogenetic location: 1q32.3.
Variant type: single nucleotide variant.
Coding change: c.1449G>T on transcript NM_014053.4 (MANE Select); coding-DNA position 1449, G replaced by T.
Protein change: p.Lys483Asn; replaces lysine 483 with asparagine.
Molecular consequence: missense variant.
Genome position (GRCh38, 1-based): chr1:212,889,181, G>T. VCF-style: chr1-212889181-G-T. GRCh37 (hg19) VCF-style: chr1-213062523-G-T.
Other names: short protein forms K483N.
Identifiers: ClinVar variation 3571786 (VCV003571786.1).